The following is an entry in ClinVar:

ClinVar aggregate classification (germline): Uncertain significance (1 of 4 stars; one submission).

gnomAD v4.1: 26 of 1,614,082 alleles (0.0016%); highest among the groups gnomAD compares: Non-Finnish European, 0.002%; no homozygotes.

Submission:

Women's Health and Genetics/Laboratory Corporation of America, LabCorp
Classification: Uncertain significance. Last evaluated: 2024-05-03. Review status: criteria provided, single submitter. Criteria: LabCorp Variant Classification Summary - May 2015. Collection method: clinical testing. Allele origin: germline.
Comment: Variant summary: LHX4 c.222C>G (p.Ser74Arg) results in a non-conservative amino acid change located in the Zinc finger, LIM-type (IPR001781) of the encoded protein sequence. Three of five in-silico tools predict a damaging effect of the variant on protein function. The variant allele was found at a frequency of 1.2e-05 in 251290 control chromosomes. The available data on variant occurrences in the general population are insufficient to allow any conclusion about variant significance. To our knowledge, no occurrence of c.222C>G in individuals affected with Short Stature-Pituitary And Cerebellar Defects-Small Sella Turcica Syndrome and no experimental evidence demonstrating its impact on protein function have been reported. No submitters have cited clinical-significance assessments for this variant to ClinVar. Based on the evidence outlined above, the variant was classified as uncertain significance.

NM_033343.4(LHX4):c.222C>G (p.Ser74Arg)

Gene: LHX4 (LIM homeobox 4; plus strand). Cytogenetic location: 1q25.2.
Variant type: single nucleotide variant.
Coding change: c.222C>G on transcript NM_033343.4 (MANE Select); coding-DNA position 222, C replaced by G.
Protein change: p.Ser74Arg; replaces serine 74 with arginine.
Molecular consequence: missense variant.
Genome position (GRCh38, 1-based): chr1:180,248,430, C>G. VCF-style: chr1-180248430-C-G. GRCh37 (hg19) VCF-style: chr1-180217565-C-G.
Other names: short protein forms S74R.
Identifiers: ClinVar variation 3336214 (VCV003336214.1).